The following is an entry in ClinVar:

NM_000168.6(GLI3):c.3664C>T (p.Pro1222Ser)

Gene: GLI3 (GLI family zinc finger 3; minus strand). Cytogenetic location: 7p14.1.
Variant type: single nucleotide variant.
Coding change: c.3664C>T on transcript NM_000168.6 (MANE Select); coding-DNA position 3664, C replaced by T.
Protein change: p.Pro1222Ser; replaces proline 1222 with serine.
Molecular consequence: missense variant.
Genome position (GRCh38, 1-based): chr7:41,965,409, G>A on the plus strand (C>T on the coding strand, the complement: GLI3 is on the minus strand). VCF-style: chr7-41965409-G-A. GRCh37 (hg19) VCF-style: chr7-42005007-G-A.
Other names: short protein forms P1222S.
Identifiers: ClinVar variation 194462 (VCV000194462.46), dbSNP rs118149040, ClinGen allele CA201192.

ClinVar aggregate classification (germline): Benign/Likely benign. Review status: criteria provided, multiple submitters, no conflicts (2 of 4 stars). 10 submissions from 8 submitters: Benign (5); Likely benign (5). Last evaluated 2026-06-01.

Conditions:
Inborn genetic diseases. Identifiers: MedGen C0950123, MeSH D030342.
Greig cephalopolysyndactyly syndrome (GCPS). Also called: Greig syndrome; POLYSYNDACTYLY WITH PECULIAR SKULL SHAPE; GLI3-Related Greig Cephalopolysyndactyly Syndrome. Identifiers: Orphanet 380, MedGen C0265306, MONDO:0008287, OMIM 175700.
Pallister-Hall syndrome (PHS). Also called: GLI3-Related Pallister-Hall Syndrome; HYPOTHALAMIC HAMARTOBLASTOMA, HYPOPITUITARISM, IMPERFORATE ANUS, AND POSTAXIAL POLYDACTYLY. Identifiers: Orphanet 672, MedGen C0265220, MONDO:0007804, OMIM 146510.
Polydactyly. Also called: polydactylism. Identifiers: MedGen C0152427, MONDO:0021003, OMIM 603596, HP:0010442.

Allele frequency attached by ClinVar (database versions not stated): gnomAD 0.00207; 1000 Genomes Project 0.00240; TOPMed 0.00257; gnomAD exomes 0.00273; 1000 Genomes Project 30x 0.00281; ExAC 0.00286; ESP Exome Variant Server 0.00338.
gnomAD v4.1: 4,834 of 1,609,668 alleles (0.3%); highest among the groups gnomAD compares: Middle Eastern, 0.64%; 6 homozygotes.

Submissions (10):

CeGaT Center for Human Genetics Tuebingen
Classification: Likely benign. Last evaluated: 2026-06-01. Review status: criteria provided, single submitter. Criteria: CeGaT Center For Human Genetics Tuebingen Variant Classification Criteria Version 2. Collection method: clinical testing. Allele origin: germline. Affected: yes. Observed: 15 variant alleles.
Comment: GLI3: BP4, BS1

Labcorp Genetics (formerly Invitae), Labcorp
Classification: Benign for Pallister-Hall syndrome; Greig cephalopolysyndactyly syndrome. Last evaluated: 2026-01-12. Review status: criteria provided, single submitter. Criteria: Invitae Variant Classification Sherloc (09022015). Collection method: clinical testing. Allele origin: germline.

Blueprint Genetics
Classification: Likely benign. Last evaluated: 2024-11-26. Review status: criteria provided, single submitter. Criteria: ACMG Guidelines, 2015. Collection method: clinical testing. Allele origin: germline.

Ambry Genetics
Classification: Likely benign for Inborn genetic diseases. Last evaluated: 2022-01-10. Review status: criteria provided, single submitter. Criteria: Ambry Variant Classification Scheme 2023. Collection method: clinical testing. Allele origin: germline.

Illumina Laboratory Services, Illumina
Classification: Benign for Pallister-Hall syndrome. Last evaluated: 2018-01-12. Review status: criteria provided, single submitter. Criteria: ICSL Variant Classification Criteria 13 December 2019. Collection method: clinical testing. Allele origin: germline.
Comment: This variant was observed in the ICSL laboratory as part of a predisposition screen in an ostensibly healthy population. It had not been previously curated by ICSL or reported in the Human Gene Mutation Database (HGMD: prior to June 1st, 2018), and was therefore a candidate for classification through an automated scoring system. Utilizing variant allele frequency, disease prevalence and penetrance estimates, and inheritance mode, an automated score was calculated to assess if this variant is too frequent to cause the disease. Based on the score and internal cut-off values, a variant classified as benign is not then subjected to further curation. The score for this variant resulted in a classification of benign for this disease.

Illumina Laboratory Services, Illumina
Classification: Benign for Greig cephalopolysyndactyly syndrome. Last evaluated: 2018-01-12. Review status: criteria provided, single submitter. Criteria: ICSL Variant Classification Criteria 13 December 2019. Collection method: clinical testing. Allele origin: germline.
Comment: the same text as in the submission from Illumina Laboratory Services, Illumina above.

Illumina Laboratory Services, Illumina
Classification: Benign for Polydactyly. Last evaluated: 2018-01-12. Review status: criteria provided, single submitter. Criteria: ICSL Variant Classification Criteria 13 December 2019. Collection method: clinical testing. Allele origin: germline.
Comment: the same text as in the submission from Illumina Laboratory Services, Illumina above.

GeneDx
Classification: Benign. Last evaluated: 2016-11-23. Review status: criteria provided, single submitter. Criteria: GeneDx Variant Classification (06012015). Collection method: clinical testing. Allele origin: germline. Affected: yes.
Comment: This variant is considered likely benign or benign based on one or more of the following criteria: it is a conservative change, it occurs at a poorly conserved position in the protein, it is predicted to be benign by multiple in silico algorithms, and/or has population frequency not consistent with disease.

Eurofins Ntd Llc (ga)
Classification: Likely benign. Last evaluated: 2015-02-04. Review status: criteria provided, single submitter. Criteria: EGL Classification Definitions 2015. Collection method: clinical testing. Allele origin: germline. Observed: 1 variant allele, 1 heterozygote.

Breakthrough Genomics
Classification: Likely benign. Review status: criteria provided, single submitter. Criteria: ACMG Guidelines, 2015. Collection method: not provided. Allele origin: germline. Inheritance: Autosomal dominant inheritance. Affected: yes.